The following is an entry in ClinVar:

ClinVar aggregate classification (germline): Conflicting classifications of pathogenicity. Review status: criteria provided, conflicting classifications (1 of 4 stars). 2 submissions from 2 submitters: Uncertain significance (1); Likely benign (1). Last evaluated 2025-12-04.

Conditions:
Inborn genetic diseases. Identifiers: MedGen C0950123, MeSH D030342.

Allele frequency attached by ClinVar (database versions not stated): gnomAD exomes 0.00001; TOPMed 0.00001; gnomAD 0.00002; 1000 Genomes Project 30x 0.00016; 1000 Genomes Project 0.00020.
gnomAD v4.1: 20 of 1,614,046 alleles (0.0012%); highest among the groups gnomAD compares: African/African-American, 0.013%; no homozygotes.

Submissions (2):

Ambry Genetics
Classification: Uncertain significance for Inborn genetic diseases. Last evaluated: 2025-12-04. Review status: criteria provided, single submitter. Criteria: Ambry Variant Classification Scheme 2023. Collection method: clinical testing. Allele origin: germline.

CeGaT Center for Human Genetics Tuebingen
Classification: Likely benign. Last evaluated: 2025-12-01. Review status: criteria provided, single submitter. Criteria: CeGaT Center For Human Genetics Tuebingen Variant Classification Criteria Version 2. Collection method: clinical testing. Allele origin: germline. Affected: yes. Observed: 1 variant allele.
Comment: SPEN: BP4, BS2

NM_015001.3(SPEN):c.7396A>G (p.Ser2466Gly)

Gene: SPEN (spen family transcriptional repressor; plus strand). Cytogenetic location: 1p36.13.
Variant type: single nucleotide variant.
Coding change: c.7396A>G on transcript NM_015001.3 (MANE Select); coding-DNA position 7396, A replaced by G.
Protein change: p.Ser2466Gly; replaces serine 2466 with glycine.
Molecular consequence: missense variant.
Genome position (GRCh38, 1-based): chr1:15,933,636, A>G. VCF-style: chr1-15933636-A-G. GRCh37 (hg19) VCF-style: chr1-16260131-A-G.
Other names: short protein forms S2466G.
Identifiers: ClinVar variation 3168955 (VCV003168955.6), dbSNP rs148348676, ClinGen allele CA18280685.